The following is an entry in ClinVar:

NM_181882.3(PRX):c.2573A>G (p.Glu858Gly)

Gene: PRX (periaxin; minus strand). Cytogenetic location: 19q13.2.
Variant type: single nucleotide variant.
Coding change: c.2573A>G on transcript NM_181882.3 (MANE Select); coding-DNA position 2573, A replaced by G.
Protein change: p.Glu858Gly; replaces glutamic acid 858 with glycine.
Molecular consequence: missense variant. On other transcripts: 3 prime UTR variant (1).
Genome position (GRCh38, 1-based): chr19:40,395,779, T>C on the plus strand (A>G on the coding strand, the complement: PRX is on the minus strand). VCF-style: chr19-40395779-T-C. GRCh37 (hg19) VCF-style: chr19-40901686-T-C.
Other names: c.*2778A>G (NM_020956.2); short protein forms E858G.
Identifiers: ClinVar variation 572123 (VCV000572123.6), dbSNP rs1017754371, ClinGen allele CA308418157.

ClinVar aggregate classification (germline): Uncertain significance (1 of 4 stars; one submission).

Conditions:
Charcot-Marie-Tooth disease type 4. Also called: Charcot-Marie-Tooth disease, type IV; Charcot-Marie-Tooth, Type 4. Identifiers: Orphanet 64749, MedGen C4082197, MONDO:0018995.

Allele frequency attached by ClinVar (database versions not stated): gnomAD 0.00001; gnomAD exomes 0.00001; TOPMed 0.00001.
gnomAD v4.1: 18 of 1,613,930 alleles (0.0011%); highest among the groups gnomAD compares: Non-Finnish European, 0.0015%; no homozygotes.

Submission:

Labcorp Genetics (formerly Invitae), Labcorp
Classification: Uncertain significance for Charcot-Marie-Tooth disease type 4. Last evaluated: 2021-08-30. Review status: criteria provided, single submitter. Criteria: Invitae Variant Classification Sherloc (09022015). Collection method: clinical testing. Allele origin: germline.
Comment: This sequence change replaces glutamic acid with glycine at codon 858 of the PRX protein (p.Glu858Gly). The glutamic acid residue is moderately conserved and there is a moderate physicochemical difference between glutamic acid and glycine. This variant is not present in population databases (ExAC no frequency). This variant has not been reported in the literature in individuals affected with PRX-related conditions. Algorithms developed to predict the effect of missense changes on protein structure and function are either unavailable or do not agree on the potential impact of this missense change (SIFT: "Deleterious"; PolyPhen-2: "Possibly Damaging"; Align-GVGD: "Class C0"). In summary, the available evidence is currently insufficient to determine the role of this variant in disease. Therefore, it has been classified as a Variant of Uncertain Significance.